The following is an entry in ClinVar:

NM_015346.4(ZFYVE26):c.5943G>C (p.Gln1981His)

Gene: ZFYVE26 (zinc finger FYVE-type containing 26; minus strand). Cytogenetic location: 14q24.1.
Variant type: single nucleotide variant.
Coding change: c.5943G>C on transcript NM_015346.4 (MANE Select); coding-DNA position 5943, G replaced by C.
Protein change: p.Gln1981His; replaces glutamine 1981 with histidine.
Molecular consequence: missense variant.
Genome position (GRCh38, 1-based): chr14:67,766,295, C>G on the plus strand (G>C on the coding strand, the complement: ZFYVE26 is on the minus strand). VCF-style: chr14-67766295-C-G. GRCh37 (hg19) VCF-style: chr14-68233012-C-G.
Other names: short protein forms Q1981H.
Identifiers: ClinVar variation 1382193 (VCV001382193.4), dbSNP rs1351855851, ClinGen allele CA390165707.
Genomic context (GRCh38, chr14:67,766,295, plus strand): 5'-AAGAGCCAAGTCTTGGCTCTGGCCGGCTTTGACGAACATCATCTTGGCGCTGAACAGCAG[C>G]TGCTTCATGATGTCCGTGAGCAGCCCGGCATCCACCTCTGGGTTGGTGAGGCCCTTGGAG-3'
Protein context (NP_056161.2, residues 1971-1991): DAGLLTDIMK[Gln1981His]LLFSAKMMFV

ClinVar aggregate classification (germline): Uncertain significance. Review status: criteria provided, multiple submitters, no conflicts (2 of 4 stars). 2 submissions from 2 submitters: Uncertain significance (2). Last evaluated 2026-08-06.

Conditions:
Spastic paraplegia. Identifiers: MedGen C0037772, HP:0001258.
Hereditary spastic paraplegia 15 (SPG15). Also called: SPASTIC PARAPLEGIA 15, AUTOSOMAL RECESSIVE; KJELLIN SYNDROME; SPASTIC PARAPLEGIA AND RETINAL DEGENERATION. Identifiers: Orphanet 100996, MedGen C1849128, MONDO:0010044, OMIM 270700.

Allele frequency attached by ClinVar (database versions not stated): gnomAD exomes below 0.00001; TOPMed 0.00001.
gnomAD v4.1: 4 of 1,613,932 alleles (0.00025%); highest among the groups gnomAD compares: Admixed American, 0.0017%; no homozygotes.

Submissions (2):

OLLIN Analises Genomicas, OLLIN
Classification: Uncertain significance for Hereditary spastic paraplegia 15. Last evaluated: 2026-08-06. Review status: criteria provided, single submitter. Criteria: ACMG Guidelines 2015 PMID 25741868. Collection method: clinical testing. Allele origin: germline. Inheritance: Autosomal recessive inheritance.
Comment: This missense variant, located in exon 32 (of 42), has been reported in ClinVar (accession VCV001382193.3) and in gnomAD with an allele frequency of 0.00025%. However, to our knowledge, it has not been reported in the scientific literature. In silico analysis predicts that this variant has a tolerated effect. According to the currently available evidence, this variant has been classified as uncertain significance (PM2_P, BP4_M).

Labcorp Genetics (formerly Invitae), Labcorp
Classification: Uncertain significance for Spastic paraplegia. Last evaluated: 2022-09-01. Review status: criteria provided, single submitter. Criteria: Invitae Variant Classification Sherloc (09022015). Collection method: clinical testing. Allele origin: germline.
Comment: This sequence change replaces glutamine, which is neutral and polar, with histidine, which is basic and polar, at codon 1981 of the ZFYVE26 protein (p.Gln1981His). This variant is present in population databases (no rsID available, gnomAD 0.0009%). This variant has not been reported in the literature in individuals affected with ZFYVE26-related conditions. ClinVar contains an entry for this variant (Variation ID: 1382193). Algorithms developed to predict the effect of missense changes on protein structure and function are either unavailable or do not agree on the potential impact of this missense change (SIFT: "Tolerated"; PolyPhen-2: "Possibly Damaging"; Align-GVGD: "Class C0"). In summary, the available evidence is currently insufficient to determine the role of this variant in disease. Therefore, it has been classified as a Variant of Uncertain Significance.